The following is an entry in ClinVar:

NM_000136.3(FANCC):c.345+6A>T

Gene: FANCC (FA complementation group C; minus strand). Cytogenetic location: 9q22.32.
Variant type: single nucleotide variant.
Coding change: c.345+6A>T on transcript NM_000136.3 (MANE Select); 6 bases into the intron after coding-DNA position 345, A replaced by T.
Molecular consequence: intron variant.
Genome position (GRCh38, 1-based): chr9:95,240,643, T>A on the plus strand (A>T on the coding strand, the complement: FANCC is on the minus strand). VCF-style: chr9-95240643-T-A. GRCh37 (hg19) VCF-style: chr9-98002925-T-A.
Other names: IVS4+6A>T; c.345+6A>T (NM_001243743.2, NM_001243744.2).
Identifiers: ClinVar variation 127539 (VCV000127539.10), dbSNP rs368595927, ClinGen allele CA287208.

ClinVar aggregate classification (germline): Conflicting classifications of pathogenicity. Review status: criteria provided, conflicting classifications (1 of 4 stars). 5 submissions from 5 submitters: Uncertain significance (4); Likely benign (1). Last evaluated 2025-07-30.

Conditions:
Fanconi anemia (FA). Also called: Fanconi's anemia. Identifiers: Orphanet 84, MedGen C0015625, MeSH D005199, MONDO:0019391.

Allele frequency attached by ClinVar (database versions not stated): gnomAD exomes 0.00005 and 0.00009; TOPMed 0.00006; gnomAD 0.00007; ExAC 0.00011; ESP Exome Variant Server 0.00015.
gnomAD v4.1: 85 of 1,594,126 alleles (0.0053%); highest among the groups gnomAD compares: Non-Finnish European, 0.0062%; no homozygotes.

Submissions (5):

Quest Diagnostics Nichols Institute San Juan Capistrano
Classification: Uncertain significance. Last evaluated: 2025-07-30. Review status: criteria provided, single submitter. Criteria: Quest Diagnostics criteria. Collection method: clinical testing. Allele origin: unknown.
Comment: The FANCC c.345+6A>T variant has been reported in the published literature in individuals with ovarian cancer (PMID: 30093976 (2018)), pancreatic cancer (PMID: 38899258 (2024)), and hereditary cancer (PMID: 32235514 (2020)). The frequency of this variant in the general population (Genome Aggregation Database) is higher than would generally be expected for pathogenic variants in this gene. Analysis of this variant using software algorithms for the prediction of the effect of nucleotide changes on FANCC mRNA splicing yielded predictions that this variant may result in the gain of a cryptic splice site without affecting the natural splice sites. Based on the available information, we are unable to determine the clinical significance of this variant.

Labcorp Genetics (formerly Invitae), Labcorp
Classification: Uncertain significance for Fanconi anemia. Last evaluated: 2024-12-17. Review status: criteria provided, single submitter. Criteria: Invitae Variant Classification Sherloc (09022015). Collection method: clinical testing. Allele origin: germline.
Comment: This sequence change falls in intron 4 of the FANCC gene. It does not directly change the encoded amino acid sequence of the FANCC protein. It affects a nucleotide within the consensus splice site. This variant is present in population databases (rs368595927, gnomAD 0.02%). This variant has been observed in individual(s) with ovarian cancer (PMID: 30093976). ClinVar contains an entry for this variant (Variation ID: 127539). Variants that disrupt the consensus splice site are a relatively common cause of aberrant splicing (PMID: 17576681, 9536098). Algorithms developed to predict the effect of sequence changes on RNA splicing suggest that this variant is not likely to affect RNA splicing. In summary, the available evidence is currently insufficient to determine the role of this variant in disease. Therefore, it has been classified as a Variant of Uncertain Significance.

Blueprint Genetics
Classification: Uncertain significance. Last evaluated: 2024-08-07. Review status: criteria provided, single submitter. Criteria: ACMG Guidelines, 2015. Collection method: clinical testing. Allele origin: germline.

Sema4
Classification: Uncertain significance for Fanconi anemia. Last evaluated: 2022-03-13. Review status: criteria provided, single submitter. Criteria: Sema4 Curation Guidelines. Collection method: curation. Allele origin: germline.
Comment: The FANCC c.345+6A>T has been reported as heterozygous in at least one individual with ovarian cancer (PMID: 30093976). This variant was observed in 23/128838 chromosomes in the Non-Finnish European population, with no homozygotes, according to the Genome Aggregation Database (PMID: 32461654). The variant has been reported in ClinVar (Variation ID: 127539). There is no indication that this variant causes disease, but the evidence is insufficient currently to prove that conclusively. Thus, the clinical significance of this variant is currently uncertain.

GeneDx
Classification: Likely benign. Last evaluated: 2017-11-28. Review status: criteria provided, single submitter. Criteria: GeneDx Variant Classification (06012015). Collection method: clinical testing. Allele origin: germline. Affected: yes.
Comment: This variant is considered likely benign or benign based on one or more of the following criteria: it is a conservative change, it occurs at a poorly conserved position in the protein, it is predicted to be benign by multiple in silico algorithms, and/or has population frequency not consistent with disease.

Literature cited by the submitters: PubMed 30093976 (cited by 3 submitters); PubMed 38899258 (cited by Quest Diagnostics Nichols Institute San Juan Capistrano); PubMed 32235514 (cited by Quest Diagnostics Nichols Institute San Juan Capistrano); PubMed 17576681 (cited by Labcorp Genetics (formerly Invitae), Labcorp); PubMed 9536098 (cited by Labcorp Genetics (formerly Invitae), Labcorp).